The following is an entry in ClinVar:

NM_001077365.2(POMT1):c.1480G>A (p.Gly494Ser)

Gene: POMT1 (protein O-mannosyltransferase 1; plus strand). Cytogenetic location: 9q34.13.
Variant type: single nucleotide variant.
Coding change: c.1480G>A on transcript NM_001077365.2 (MANE Select); coding-DNA position 1480, G replaced by A.
Protein change: p.Gly494Ser; replaces glycine 494 with serine.
Molecular consequence: missense variant. On other transcripts: non-coding transcript variant (10), intron variant (1).
Genome position (GRCh38, 1-based): chr9:131,518,951, G>A. VCF-style: chr9-131518951-G-A. GRCh37 (hg19) VCF-style: chr9-134394338-G-A.
Other names: c.1318G>A, p.Gly440Ser (NM_001077366.2, NM_001353194.2); c.1480G>A, p.Gly494Ser (NM_001136113.2); c.1129G>A, p.Gly377Ser (NM_001136114.2, NM_001353195.2, NM_001374691.1 and 2 more transcripts); c.1546G>A, p.Gly516Ser (NM_001353193.2, NM_007171.4); c.1390G>A, p.Gly464Ser (NM_001353196.2); c.1384G>A, p.Gly462Ser (NM_001353197.2, NM_001353198.2); c.1195G>A, p.Gly399Ser (NM_001353199.2); c.1024G>A, p.Gly342Ser (NM_001353200.2); and 3 more; short protein forms G516S, G462S, G377S, G464S, G440S, G342S, G399S, G494S.
Identifiers: ClinVar variation 471377 (VCV000471377.10), dbSNP rs200204923, ClinGen allele CA5293707.

ClinVar aggregate classification (germline): Uncertain significance. Review status: criteria provided, multiple submitters, no conflicts (2 of 4 stars). 2 submissions from 2 submitters: Uncertain significance (2). Last evaluated 2024-09-11.

Conditions:
Autosomal recessive limb-girdle muscular dystrophy type 2K. Also called: MUSCULAR DYSTROPHY-DYSTROGLYCANOPATHY (LIMB-GIRDLE), TYPE C, 1; MUSCULAR DYSTROPHY, LIMB-GIRDLE, TYPE 2K. Identifiers: Orphanet 86812, MedGen C1836373, MONDO:0012248, OMIM 609308.
Muscular dystrophy-dystroglycanopathy (congenital with impaired intellectual development), type B, 1. Also called: Muscular dystrophy-dystroglycanopathy (congenital with intellectual disability), type B1; MUSCULAR DYSTROPHY, CONGENITAL, POMT1-RELATED. Identifiers: MedGen C5436962, MONDO:0013159, OMIM 613155.
Walker-Warburg congenital muscular dystrophy. Also called: Muscular dystrophy-dystroglycanopathy, type A; Walker-Warburg syndrome. Identifiers: Orphanet 899, MedGen C0265221, MONDO:0000171.
Inborn genetic diseases. Identifiers: MedGen C0950123, MeSH D030342.

Allele frequency attached by ClinVar (database versions not stated): gnomAD exomes below 0.00001 and 0.00002; gnomAD 0.00002 and 0.00001; 1000 Genomes Project 30x 0.00016; ExAC 0.00001; TOPMed 0.00003; 1000 Genomes Project 0.00020.
gnomAD v4.1: 36 of 1,613,530 alleles (0.0022%); highest among the groups gnomAD compares: African/African-American, 0.0027%; no homozygotes.

Submissions (2):

Ambry Genetics
Classification: Uncertain significance for Inborn genetic diseases. Last evaluated: 2024-09-11. Review status: criteria provided, single submitter. Criteria: Ambry Variant Classification Scheme 2023. Collection method: clinical testing. Allele origin: germline.

Labcorp Genetics (formerly Invitae), Labcorp
Classification: Uncertain significance for Muscular dystrophy-dystroglycanopathy (congenital with impaired intellectual development), type B, 1; Walker-Warburg congenital muscular dystrophy; Autosomal recessive limb-girdle muscular dystrophy type 2K. Last evaluated: 2022-07-05. Review status: criteria provided, single submitter. Criteria: Invitae Variant Classification Sherloc (09022015). Collection method: clinical testing. Allele origin: germline.
Comment: This sequence change replaces glycine, which is neutral and non-polar, with serine, which is neutral and polar, at codon 516 of the POMT1 protein (p.Gly516Ser). This variant is present in population databases (rs200204923, gnomAD 0.003%). This variant has not been reported in the literature in individuals affected with POMT1-related conditions. ClinVar contains an entry for this variant (Variation ID: 471377). Algorithms developed to predict the effect of missense changes on protein structure and function are either unavailable or do not agree on the potential impact of this missense change (SIFT: "Tolerated"; PolyPhen-2: "Probably Damaging"; Align-GVGD: "Class C0"). In summary, the available evidence is currently insufficient to determine the role of this variant in disease. Therefore, it has been classified as a Variant of Uncertain Significance.